The following is an entry in ClinVar:

ClinVar aggregate classification (germline): Uncertain significance. Review status: criteria provided, multiple submitters, no conflicts (2 of 4 stars). 2 submissions from 2 submitters: Uncertain significance (2). Last evaluated 2024-12-02.

Conditions:
Inborn genetic diseases. Identifiers: MedGen C0950123, MeSH D030342.
Fanconi anemia (FA). Also called: Fanconi's anemia. Identifiers: Orphanet 84, MedGen C0015625, MeSH D005199, MONDO:0019391.

Allele frequency attached by ClinVar (database versions not stated): gnomAD exomes below 0.00001 and 0.00001; ExAC 0.00002.
gnomAD v4.1: 3 of 1,561,616 alleles (0.00019%); highest among the groups gnomAD compares: Non-Finnish European, 0.00026%; no homozygotes.

Submissions (2):

Ambry Genetics
Classification: Uncertain significance for Inborn genetic diseases. Last evaluated: 2024-12-02. Review status: criteria provided, single submitter. Criteria: Ambry Variant Classification Scheme 2023. Collection method: clinical testing. Allele origin: germline.
Comment: The p.K868E variant (also known as c.2602A>G), located in coding exon 14 of the FANCM gene, results from an A to G substitution at nucleotide position 2602. The lysine at codon 868 is replaced by glutamic acid, an amino acid with similar properties. This amino acid position is conserved. In addition, this alteration is predicted to be tolerated by in silico analysis. Based on the available evidence, the clinical significance of this variant remains unclear.

Labcorp Genetics (formerly Invitae), Labcorp
Classification: Uncertain significance for Fanconi anemia. Last evaluated: 2020-02-29. Review status: criteria provided, single submitter. Criteria: Invitae Variant Classification Sherloc (09022015). Collection method: clinical testing. Allele origin: germline.
Comment: In summary, the available evidence is currently insufficient to determine the role of this variant in disease. Therefore, it has been classified as a Variant of Uncertain Significance. This sequence change replaces lysine with glutamic acid at codon 868 of the FANCM protein (p.Lys868Glu). The lysine residue is weakly conserved and there is a small physicochemical difference between lysine and glutamic acid. This variant is present in population databases (rs770342366, ExAC 0.003%). This variant has not been reported in the literature in individuals with FANCM-related conditions. Algorithms developed to predict the effect of missense changes on protein structure and function output the following: SIFT: "Tolerated"; PolyPhen-2: "Possibly Damaging"; Align-GVGD: "Class C0". The glutamic acid amino acid residue is found in multiple mammalian species, suggesting that this missense change does not adversely affect protein function. These predictions have not been confirmed by published functional studies and their clinical significance is uncertain.

NM_020937.4(FANCM):c.2602A>G (p.Lys868Glu)

Gene: FANCM (FA complementation group M; plus strand). Cytogenetic location: 14q21.2.
Variant type: single nucleotide variant.
Coding change: c.2602A>G on transcript NM_020937.4 (MANE Select); coding-DNA position 2602, A replaced by G.
Protein change: p.Lys868Glu; replaces lysine 868 with glutamic acid.
Molecular consequence: missense variant.
Genome position (GRCh38, 1-based): chr14:45,175,356, A>G. VCF-style: chr14-45175356-A-G. GRCh37 (hg19) VCF-style: chr14-45644559-A-G.
Other names: c.2524A>G, p.Lys842Glu (NM_001308133.2); short protein forms K842E, K868E.
Identifiers: ClinVar variation 840507 (VCV000840507.10), dbSNP rs770342366, ClinGen allele CA7169376.